The following is an entry in ClinVar:

ClinVar aggregate classification (germline): Uncertain significance (1 of 4 stars; one submission).

Conditions:
Cardiomyopathy (CMYO). Also called: Cardiomyopathies. Identifiers: Orphanet 167848, MedGen C0878544, MONDO:0004994, HP:0001638. Inheritance: Various modes of inheritance.

Submission:

Color Diagnostics, LLC DBA Color Health
Classification: Uncertain significance for Cardiomyopathy. Last evaluated: 2024-03-06. Review status: criteria provided, single submitter. Criteria: ACMG Guidelines, 2015. Collection method: clinical testing. Allele origin: germline.
Comment: This missense variant replaces leucine with arginine at codon 114 of the MYL2 protein. Computational prediction tool suggests that this variant may have deleterious impact on protein structure and function (internally defined REVEL score threshold >=0.7, PMID: 27666373). Splice site prediction tools suggest that this variant may not impact RNA splicing. To our knowledge, functional studies have not been performed for this variant. This variant has not been reported in individuals affected with cardiovascular disorders in the literature. This variant has not been identified in the general population by the Genome Aggregation Database (gnomAD). The available evidence is insufficient to determine the role of this variant in disease conclusively. Therefore, this variant is classified as a Variant of Uncertain Significance.

NM_000432.4(MYL2):c.341T>G (p.Leu114Arg)

Gene: MYL2 (myosin light chain 2; minus strand). Cytogenetic location: 12q24.11.
Variant type: single nucleotide variant.
Coding change: c.341T>G on transcript NM_000432.4 (MANE Select); coding-DNA position 341, T replaced by G.
Protein change: p.Leu114Arg; replaces leucine 114 with arginine.
Molecular consequence: missense variant.
Genome position (GRCh38, 1-based): chr12:110,913,258, A>C on the plus strand (T>G on the coding strand, the complement: MYL2 is on the minus strand). VCF-style: chr12-110913258-A-C. GRCh37 (hg19) VCF-style: chr12-111351062-A-C.
Other names: short protein forms L114R.
Identifiers: ClinVar variation 922106 (VCV000922106.4), dbSNP rs2071666465, ClinGen allele CA386697903.